The following is an entry in ClinVar:

ClinVar aggregate classification (germline): Benign (1 of 4 stars; one submission).

Conditions:
Malignant hyperthermia, susceptibility to, 1 (MHS1). Also called: RYR1-Related Malignant Hyperthermia Susceptibility; Malignant hyperthermia suceptibility 1; Anesthesia related hyperthermia; Malignant hyperpyrexia; Fulminating hyperpyrexia; Pharmacogenic myopathy. Identifiers: Orphanet 423, MedGen C2930980, MONDO:0007783, OMIM 145600.

Submission:

Leeds Institute of Medical Research, University of Leeds
Classification: Benign for Malignant hyperthermia, susceptibility to, 1. Review status: criteria provided, single submitter. Criteria: Johnston et al. (Hum Mol Genet. 2022). Collection method: research. Allele origin: germline. Affected: no. Observed: 2 variant alleles, 1 homozygote.
Comment: ACMG/AMP PP3 CADD_PHRED score of 26.PM4 the variant causes a 2 amino acid duplication. Although present in an MH susceptible individual from the n=100 MH susceptible group it was also present in an unrelated MH normal individual (BS2) from the n=25 MH normal group. BP3 the 2 amino acid duplication is in a small repeat region BA1 the variant is designated common due to a MAF of 1.16E-02. For these reasons the variant is classified as benign.

NM_001040709.2(SYPL2):c.728GCCAGG[3] (p.Gln246_Asp247insGlyGln)

Gene: SYPL2 (synaptophysin like 2; plus strand). Cytogenetic location: 1p13.3.
Variant type: Microsatellite.
Coding change: c.728GCCAGG[3] on transcript NM_001040709.2 (MANE Select); three copies in a row of the 6-base unit GCCAGG starting at c.728; the reference has two copies in a row; one copy, 6 bases duplicated; also written c.734_739dup.
Protein change: p.Gln246_Asp247insGlyGln.
Molecular consequence: inframe insertion.
Genome position (GRCh38, 1-based): chr1:109,479,463-109,479,468, GCCAGG duplicated; duplicating any 6 consecutive bases within chr1:109,479,453-109,479,468 gives the same sequence; the position shown is the placement nearest the transcript's 3' end. VCF-style (leftmost placement, unchanged base first): chr1-109479452-A-ACAGGGC. GRCh37 (hg19) VCF-style: chr1-110022074-A-ACAGGGC.
Other names: c.734_739dup (NM_001040709.2).
Identifiers: ClinVar variation 4082264 (VCV004082264.1).